The following is an entry in ClinVar:

NM_001372044.2(SHANK3):c.869G>A (p.Arg290His)

Gene: SHANK3 (SH3 and multiple ankyrin repeat domains 3; plus strand). Cytogenetic location: 22q13.33.
Variant type: single nucleotide variant.
Coding change: c.869G>A on transcript NM_001372044.2 (MANE Select); coding-DNA position 869, G replaced by A.
Protein change: p.Arg290His; replaces arginine 290 with histidine.
Molecular consequence: missense variant.
Genome position (GRCh38, 1-based): chr22:50,679,062, G>A. VCF-style: chr22-50679062-G-A. GRCh37 (hg19) VCF-style: chr22-51117490-G-A.
Other names: c.644G>A (NM_033517.1); short protein forms R290H.
Identifiers: ClinVar variation 1312305 (VCV001312305.2), dbSNP rs775487427, ClinGen allele CA10325291.
Genomic context (GRCh38, chr22:50,679,062, plus strand): 5'-AGGCTGCTCACCCTCAGACCCTGCTGGACCTGGGGGCTTCACCTGACTACAAGGACAGCC[G>A]CGGCTTGACACCCCTCTACCACAGCGCCCTGGGGGGTGGGGATGCCCTCTGCTGTGAGCT-3'
Protein context (NP_001358973.1, residues 280-300): LGASPDYKDS[Arg290His]GLTPLYHSAL

ClinVar aggregate classification (germline): Uncertain significance (1 of 4 stars; one submission).

Allele frequency attached by ClinVar (database versions not stated): gnomAD exomes below 0.00001; gnomAD 0.00001; ExAC 0.00002; TOPMed 0.00002.

Submission:

GeneDx
Classification: Uncertain significance. Last evaluated: 2020-01-15. Review status: criteria provided, single submitter. Criteria: GeneDx Variant Classification Process June 2021. Collection method: clinical testing. Allele origin: germline. Affected: yes.
Comment: In silico analysis, which includes protein predictors and evolutionary conservation, supports a deleterious effect; Has not been previously published as pathogenic or benign to our knowledge; No data available from control populations to assess the frequency of this variant